The following is an entry in ClinVar:

NM_014844.5(TECPR2):c.2752+9G>A

Gene: TECPR2 (tectonin beta-propeller repeat containing 2; plus strand). Cytogenetic location: 14q32.31.
Variant type: single nucleotide variant.
Coding change: c.2752+9G>A on transcript NM_014844.5 (MANE Select); 9 bases into the intron after coding-DNA position 2752, G replaced by A.
Molecular consequence: intron variant.
Genome position (GRCh38, 1-based): chr14:102,440,618, G>A. VCF-style: chr14-102440618-G-A. GRCh37 (hg19) VCF-style: chr14-102906955-G-A.
Other names: c.2752+9G>A (NM_014844.4, NM_001172631.3).
Identifiers: ClinVar variation 1148164 (VCV001148164.11), dbSNP rs753140257, ClinGen allele CA7358026.

ClinVar aggregate classification (germline): Likely benign. Review status: criteria provided, single submitter (1 of 4 stars). 2 submissions from 2 submitters: Likely benign (1). 1 of the submissions does not count toward it. Last evaluated 2024-08-07.

Conditions:
TECPR2-related disorder. Also called: TECPR2-related condition.
Hereditary spastic paraplegia 49 (HSAN9). Also called: TECPR2-Related Hereditary Sensory and Autonomic Neuropathy with Intellectual Disability; NEUROPATHY, HEREDITARY SENSORY AND AUTONOMIC, TYPE IX, WITH DEVELOPMENTAL DELAY; Spastic paraplegia 49, autosomal recessive. Identifiers: Orphanet 320385, MedGen C5190860, MONDO:0014016, OMIM 615031.

Allele frequency attached by ClinVar (database versions not stated): gnomAD 0.00003.
gnomAD v4.1: 65 of 1,611,274 alleles (0.004%); highest among the groups gnomAD compares: Non-Finnish European, 0.005%; no homozygotes.

Submissions (2):

Labcorp Genetics (formerly Invitae), Labcorp
Classification: Likely benign for Hereditary spastic paraplegia 49. Last evaluated: 2024-08-07. Review status: criteria provided, single submitter. Criteria: Invitae Variant Classification Sherloc (09022015). Collection method: clinical testing. Allele origin: germline.

PreventionGenetics, part of Exact Sciences
Classification: Likely benign for TECPR2-related condition. Last evaluated: 2019-06-10. Review status: no assertion criteria provided. Collection method: clinical testing. Allele origin: germline. Not counted in ClinVar's aggregate classification.
Comment: This variant is classified as likely benign based on ACMG/AMP sequence variant interpretation guidelines (Richards et al. 2015 PMID: 25741868, with internal and published modifications).